The following is an entry in ClinVar:

ClinVar aggregate classification (germline): Conflicting classifications of pathogenicity. Review status: criteria provided, conflicting classifications (1 of 4 stars). 4 submissions from 4 submitters: Uncertain significance (3); Likely benign (1). Last evaluated 2026-07-25.

Conditions:
FAT4-related disorder. Also called: FAT4-related condition.
Inborn genetic diseases. Identifiers: MedGen C0950123, MeSH D030342.

Allele frequency attached by ClinVar (database versions not stated): gnomAD exomes 0.00007 and 0.00012; ExAC 0.00009; gnomAD 0.00034 and 0.00040; ESP Exome Variant Server 0.00038; TOPMed 0.00048.
gnomAD v4.1: 151 of 1,613,970 alleles (0.0094%); highest among the groups gnomAD compares: African/African-American, 0.12%; no homozygotes.

Submissions (4):

GeneDx
Classification: Uncertain significance. Last evaluated: 2026-07-25. Review status: criteria provided, single submitter. Criteria: GeneDx Variant Classification Process June 2021. Collection method: clinical testing. Allele origin: germline.
Comment: In silico analysis suggests that this missense variant does not alter protein structure/function; Has not been previously reported as a pathogenic or benign germline variant to our knowledge; This variant is associated with the following publications: (PMID: 22484628)

Labcorp Genetics (formerly Invitae), Labcorp
Classification: Likely benign. Last evaluated: 2026-01-24. Review status: criteria provided, single submitter. Criteria: Invitae Variant Classification Sherloc (09022015). Collection method: clinical testing. Allele origin: germline.

PreventionGenetics, part of Exact Sciences
Classification: Uncertain significance for FAT4-related condition. Last evaluated: 2025-08-08. Review status: criteria provided, single submitter. Criteria: ACMG Guidelines, 2015. Collection method: clinical testing. Allele origin: germline.
Comment: The FAT4 c.13460C>T variant is predicted to result in the amino acid substitution p.Ala4487Val. To our knowledge, this variant has not been reported in the literature. This variant is reported in 0.11% of alleles in individuals of African descent in gnomAD. Although we suspect that this variant may be benign, at this time, the clinical significance of this variant is uncertain due to the absence of conclusive functional and genetic evidence.

Ambry Genetics
Classification: Uncertain significance for Inborn genetic diseases. Last evaluated: 2023-04-07. Review status: criteria provided, single submitter. Criteria: Ambry Variant Classification Scheme 2023. Collection method: clinical testing. Allele origin: germline.

NM_001291303.3(FAT4):c.13460C>T (p.Ala4487Val)

Gene: FAT4 (FAT atypical cadherin 4; plus strand). Cytogenetic location: 4q28.1.
Variant type: single nucleotide variant.
Coding change: c.13460C>T on transcript NM_001291303.3 (MANE Select); coding-DNA position 13460, C replaced by T.
Protein change: p.Ala4487Val; replaces alanine 4487 with valine.
Molecular consequence: missense variant.
Genome position (GRCh38, 1-based): chr4:125,490,276, C>T. VCF-style: chr4-125490276-C-T. GRCh37 (hg19) VCF-style: chr4-126411431-C-T.
Other names: c.13457C>T, p.Ala4486Val (NM_001291285.3); c.13454C>T, p.Ala4485Val (NM_024582.6); c.13460C>T (NM_001291303.1); short protein forms A4485V, A4487V, A4486V.
Identifiers: ClinVar variation 392597 (VCV000392597.16), dbSNP rs141234678, ClinGen allele CA3074375.